The following is an entry in ClinVar:

NM_001122630.2(CDKN1C):c.284C>T (p.Pro95Leu)

Gene: CDKN1C (cyclin dependent kinase inhibitor 1C; minus strand). Cytogenetic location: 11p15.4.
Variant type: single nucleotide variant.
Coding change: c.284C>T on transcript NM_001122630.2 (MANE Select); coding-DNA position 284, C replaced by T.
Protein change: p.Pro95Leu; replaces proline 95 with leucine.
Molecular consequence: missense variant. On other transcripts: intron variant (1).
Genome position (GRCh38, 1-based): chr11:2,885,173, G>A on the plus strand (C>T on the coding strand, the complement: CDKN1C is on the minus strand). VCF-style: chr11-2885173-G-A. GRCh37 (hg19) VCF-style: chr11-2906403-G-A.
Other names: c.317C>T, p.Pro106Leu (NM_000076.2, NM_001362474.2); c.284C>T, p.Pro95Leu (NM_001122631.2); c.255+29C>T (NM_001362475.2); short protein forms P106L, P95L.
Identifiers: ClinVar variation 941852 (VCV000941852.7), dbSNP rs1848966308, ClinGen allele CA379146958.

ClinVar aggregate classification (germline): Uncertain significance (1 of 4 stars; one submission).

Conditions:
Beckwith-Wiedemann syndrome (BWS). Also called: Exomphalos macroglossia gigantism syndrome; EMG SYNDROME. Identifiers: Orphanet 116, MedGen C0004903, MONDO:0007534, OMIM 130650.

Allele frequency attached by ClinVar (database versions not stated): gnomAD exomes below 0.00001; TOPMed below 0.00001.

Submission:

Labcorp Genetics (formerly Invitae), Labcorp
Classification: Uncertain significance for Beckwith-Wiedemann syndrome. Last evaluated: 2022-12-01. Review status: criteria provided, single submitter. Criteria: Invitae Variant Classification Sherloc (09022015). Collection method: clinical testing. Allele origin: germline.
Comment: In summary, the available evidence is currently insufficient to determine the role of this variant in disease. Therefore, it has been classified as a Variant of Uncertain Significance. Advanced modeling of protein sequence and biophysical properties (such as structural, functional, and spatial information, amino acid conservation, physicochemical variation, residue mobility, and thermodynamic stability) performed at Invitae indicates that this missense variant is not expected to disrupt CDKN1C protein function. ClinVar contains an entry for this variant (Variation ID: 941852). This variant has not been reported in the literature in individuals affected with CDKN1C-related conditions. This variant is not present in population databases (gnomAD no frequency). This sequence change replaces proline, which is neutral and non-polar, with leucine, which is neutral and non-polar, at codon 106 of the CDKN1C protein (p.Pro106Leu).